The following is an entry in ClinVar:

ClinVar aggregate classification (germline): Likely benign. Review status: criteria provided, multiple submitters, no conflicts (2 of 4 stars). 2 submissions from 2 submitters: Likely benign (2). Last evaluated 2022-06-01.

Allele frequency attached by ClinVar (database versions not stated): gnomAD exomes 0.00001.
gnomAD v4.1: 5 of 1,591,732 alleles (0.00031%); highest among the groups gnomAD compares: Non-Finnish European, 0.00043%; no homozygotes.

Submissions (2):

Blueprint Genetics
Classification: Likely benign. Last evaluated: 2022-06-01. Review status: criteria provided, single submitter. Criteria: ACMG Guidelines, 2015. Collection method: clinical testing. Allele origin: germline.

GeneDx
Classification: Likely benign. Last evaluated: 2016-12-14. Review status: criteria provided, single submitter. Criteria: GeneDx Variant Classification (06012015). Collection method: clinical testing. Allele origin: germline. Affected: yes.
Comment: This variant is considered likely benign or benign based on one or more of the following criteria: it is a conservative change, it occurs at a poorly conserved position in the protein, it is predicted to be benign by multiple in silico algorithms, and/or has population frequency not consistent with disease.

NM_001065.4(TNFRSF1A):c.959G>A (p.Gly320Glu)

Gene: TNFRSF1A (TNF receptor superfamily member 1A; minus strand). Cytogenetic location: 12p13.31.
Variant type: single nucleotide variant.
Coding change: c.959G>A on transcript NM_001065.4 (MANE Select); coding-DNA position 959, G replaced by A.
Protein change: p.Gly320Glu; replaces glycine 320 with glutamic acid.
Molecular consequence: missense variant. On other transcripts: non-coding transcript variant (1).
Genome position (GRCh38, 1-based): chr12:6,329,876, C>T on the plus strand (G>A on the coding strand, the complement: TNFRSF1A is on the minus strand). VCF-style: chr12-6329876-C-T. GRCh37 (hg19) VCF-style: chr12-6439042-C-T.
Other names: c.635G>A, p.Gly212Glu (NM_001346091.2); c.500G>A, p.Gly167Glu (NM_001346092.2); short protein forms G320E, G212E, G167E.
Identifiers: ClinVar variation 391575 (VCV000391575.2), dbSNP rs1057524143, ClinGen allele CA16607406.